The following is an entry in ClinVar:

ClinVar aggregate classification (germline): Uncertain significance. Review status: criteria provided, multiple submitters, no conflicts (2 of 4 stars). 2 submissions from 2 submitters: Uncertain significance (2). Last evaluated 2023-07-11.

Conditions:
Spastic paraplegia. Identifiers: MedGen C0037772, HP:0001258.

Allele frequency attached by ClinVar (database versions not stated): ExAC 0.00001; gnomAD 0.00001; gnomAD exomes 0.00001; TOPMed 0.00001.
gnomAD v4.1: 15 of 1,612,426 alleles (0.00093%); highest among the groups gnomAD compares: South Asian, 0.0011%; no homozygotes.

Submissions (2):

GeneDx
Classification: Uncertain significance. Last evaluated: 2023-07-11. Review status: criteria provided, single submitter. Criteria: GeneDx Variant Classification Process June 2021. Collection method: clinical testing. Allele origin: germline. Affected: yes.
Comment: In silico analysis supports that this missense variant does not alter protein structure/function; Has not been previously published as pathogenic or benign to our knowledge

Labcorp Genetics (formerly Invitae), Labcorp
Classification: Uncertain significance for Spastic paraplegia. Last evaluated: 2022-08-15. Review status: criteria provided, single submitter. Criteria: Invitae Variant Classification Sherloc (09022015). Collection method: clinical testing. Allele origin: germline.
Comment: This sequence change replaces serine, which is neutral and polar, with arginine, which is basic and polar, at codon 67 of the SLC33A1 protein (p.Ser67Arg). This variant is present in population databases (rs762010317, gnomAD 0.002%). In summary, the available evidence is currently insufficient to determine the role of this variant in disease. Therefore, it has been classified as a Variant of Uncertain Significance. Algorithms developed to predict the effect of missense changes on protein structure and function (SIFT, PolyPhen-2, Align-GVGD) all suggest that this variant is likely to be tolerated. ClinVar contains an entry for this variant (Variation ID: 1469748). This variant has not been reported in the literature in individuals affected with SLC33A1-related conditions.

NM_004733.4(SLC33A1):c.201C>G (p.Ser67Arg)

Gene: SLC33A1 (solute carrier family 33 member 1; minus strand). Cytogenetic location: 3q25.31.
Variant type: single nucleotide variant.
Coding change: c.201C>G on transcript NM_004733.4 (MANE Select); coding-DNA position 201, C replaced by G.
Protein change: p.Ser67Arg; replaces serine 67 with arginine.
Molecular consequence: missense variant.
Genome position (GRCh38, 1-based): chr3:155,853,797, G>C on the plus strand (C>G on the coding strand, the complement: SLC33A1 is on the minus strand). VCF-style: chr3-155853797-G-C. GRCh37 (hg19) VCF-style: chr3-155571586-G-C.
Other names: c.201C>G (NM_004733.3); c.201C>G, p.Ser67Arg (NM_001190992.2, NM_001363883.1); short protein forms S67R.
Identifiers: ClinVar variation 1469748 (VCV001469748.7), dbSNP rs762010317, ClinGen allele CA2677439.
Genomic context (GRCh38, chr3:155,853,797, plus strand): 5'-AATACCCTGAAGCACGTAAAGAAAGAGTAGTAGCAAAATGCTGCTTAGTTCGGCCCGGAA[G>C]CTCTGTGGGGCTTTTAAGAAGTCGCCAGTGCCGGTATCCCCCAGAAGAGCTTCTCTGTCC-3'
Protein context (NP_004724.1, residues 57-77): GTGDFLKAPQ[Ser67Arg]FRAELSSILL